The following is an entry in ClinVar:

NM_000169.3(GLA):c.811G>A (p.Gly271Ser)

Genes: GLA (galactosidase alpha; minus strand), RPL36A-HNRNPH2 (RPL36A-HNRNPH2 readthrough; plus strand). Cytogenetic location: Xq22.1.
Variant type: single nucleotide variant.
Coding change: c.811G>A on transcript NM_000169.3 (MANE Select); coding-DNA position 811, G replaced by A.
Protein change: p.Gly271Ser; replaces glycine 271 with serine.
Molecular consequence: missense variant. On other transcripts: intron variant (2), non-coding transcript variant (3).
Genome position (GRCh38, 1-based): chrX:101,398,558, C>T on the plus strand (G>A on the coding strand, the complement: GLA is on the minus strand). VCF-style: chrX-101398558-C-T. GRCh37 (hg19) VCF-style: chrX-100653546-C-T.
Other names: c.934G>A, p.Gly312Ser (NM_001406747.1); c.811G>A, p.Gly271Ser (NM_001406748.1); c.300+3101C>T (NM_001199973.2); c.177+6736C>T (NM_001199974.2); short protein forms G271S, G312S.
Identifiers: ClinVar variation 964447 (VCV000964447.12), dbSNP rs1928174707, ClinGen allele CA413923429.

ClinVar aggregate classification (germline): Pathogenic. Review status: criteria provided, multiple submitters, no conflicts (2 of 4 stars). 2 submissions from 2 submitters: Pathogenic (2). Last evaluated 2026-09-08.

Conditions:
Fabry disease. Also called: GLA DEFICIENCY; HEREDITARY DYSTOPIC LIPIDOSIS; Angiokeratoma corporis diffusum; ANDERSON-FABRY DISEASE; ALPHA-GALACTOSIDASE A DEFICIENCY; CERAMIDE TRIHEXOSIDASE DEFICIENCY. Identifiers: Orphanet 324, MedGen C0002986, MONDO:0010526, OMIM 301500, HP:0001071. Disease mechanism: Fabry disease is due to inactivating mutations in the X-linked GLA gene resulting in deficiency of the enzyme Alpha Galactosidase-A., loss of function.

Submissions (2):

Genomenon, Inc
Classification: Pathogenic for Fabry disease. Last evaluated: 2026-09-08. Review status: criteria provided, single submitter. Criteria: Genomenon Sequence Variant Interpretation Standards - Updated. Collection method: curation. Allele origin: germline. Affected: yes.
Comment: GLA p.Gly271Ser (c.811G>A) is a missense variant that changes the amino acid at codon 271 from Glycine to Serine. This variant has been observed in at least one proband with clinical features consistent with Fabry disease (PMID:34704396;22880956;30261035;30715505;16595074;29037082). The variant was found to segregate with disease in at least one affected family (PMID:29037082). At least one functional study has demonstrated a substantial alteration in protein function relative to the wild-type (PMID:30723321;27657681). It is absent or not present at a significant frequency in gnomAD. In silico models predict that this variant is possibly or probably damaging. In conclusion, we classify GLA p.Gly271Ser (c.811G>A) as a pathogenic variant.

Labcorp Genetics (formerly Invitae), Labcorp
Classification: Pathogenic for Fabry disease. Last evaluated: 2019-08-20. Review status: criteria provided, single submitter. Criteria: Invitae Variant Classification Sherloc (09022015). Collection method: clinical testing. Allele origin: germline.
Comment: This sequence change replaces glycine with serine at codon 271 of the GLA protein (p.Gly271Ser). The glycine residue is highly conserved and there is a small physicochemical difference between glycine and serine. For these reasons, this variant has been classified as Pathogenic. Algorithms developed to predict the effect of missense changes on protein structure and function (SIFT, PolyPhen-2, Align-GVGD) all suggest that this variant is likely to be disruptive, but these predictions have not been confirmed by published functional studies and their clinical significance is uncertain. This variant has been observed in individuals with Fabry disease and has been observed to segregate with disease in a family (PMID: 16595074, 30715505, 20498269, 29037082). This variant is not present in population databases (ExAC no frequency).

Literature cited by the submitters: PubMed 34704396 (cited by Genomenon, Inc); PubMed 22880956 (cited by Genomenon, Inc); PubMed 30261035 (cited by Genomenon, Inc); PubMed 30715505 (cited by Genomenon, Inc and Labcorp Genetics (formerly Invitae), Labcorp); PubMed 16595074 (cited by Genomenon, Inc and Labcorp Genetics (formerly Invitae), Labcorp); PubMed 29037082 (cited by Genomenon, Inc and Labcorp Genetics (formerly Invitae), Labcorp); PubMed 30723321 (cited by Genomenon, Inc); PubMed 27657681 (cited by Genomenon, Inc); PubMed 20498269 (cited by Labcorp Genetics (formerly Invitae), Labcorp).